The following is an entry in ClinVar:

NM_001034116.2(EIF2B4):c.1153T>C (p.Tyr385His)

Genes: EIF2B4 (eukaryotic translation initiation factor 2B subunit delta; minus strand), GTF3C2-AS2 (GTF3C2 antisense RNA 2; plus strand). Cytogenetic location: 2p23.3.
Variant type: single nucleotide variant.
Coding change: c.1153T>C on transcript NM_001034116.2 (MANE Select); coding-DNA position 1153, T replaced by C.
Protein change: p.Tyr385His; replaces tyrosine 385 with histidine.
Molecular consequence: missense variant.
Genome position (GRCh38, 1-based): chr2:27,366,797, A>G on the plus strand (T>C on the coding strand, the complement: EIF2B4 is on the minus strand). VCF-style: chr2-27366797-A-G. GRCh37 (hg19) VCF-style: chr2-27589664-A-G.
Other names: c.1216T>C, p.Tyr406His (NM_001318965.2); c.1108T>C, p.Tyr370His (NM_001318966.2); c.1060T>C, p.Tyr354His (NM_001318967.2); c.568T>C, p.Tyr190His (NM_001318968.2); c.535T>C, p.Tyr179His (NM_001318969.2); c.1150T>C, p.Tyr384His (NM_015636.4); c.1213T>C, p.Tyr405His (NM_172195.4); short protein forms Y179H, Y190H, Y354H, Y370H, Y384H, Y385H, Y405H, Y406H.
Identifiers: ClinVar variation 5040737 (VCV005040737.1).

ClinVar aggregate classification (germline): Uncertain significance (1 of 4 stars; one submission).

Submission:

CeGaT Center for Human Genetics Tuebingen
Classification: Uncertain significance. Last evaluated: 2026-08-01. Review status: criteria provided, single submitter. Criteria: CeGaT Center For Human Genetics Tuebingen Variant Classification Criteria Version 2. Collection method: clinical testing. Allele origin: germline. Affected: yes. Observed: 1 variant allele.
Comment: EIF2B4: PM2, PP3